The following is an entry in ClinVar:

NM_005228.5(EGFR):c.476T>C (p.Val159Ala)

Gene: EGFR (epidermal growth factor receptor; plus strand). Cytogenetic location: 7p11.2.
Variant type: single nucleotide variant.
Coding change: c.476T>C on transcript NM_005228.5 (MANE Select); coding-DNA position 476, T replaced by C.
Protein change: p.Val159Ala; replaces valine 159 with alanine.
Molecular consequence: missense variant. On other transcripts: intron variant (3).
Genome position (GRCh38, 1-based): chr7:55,146,657, T>C. VCF-style: chr7-55146657-T-C. GRCh37 (hg19) VCF-style: chr7-55214350-T-C.
Other names: c.476T>C, p.Val159Ala (NM_001346898.2, NM_201282.2, NM_201283.2 and 1 more transcripts); c.317T>C, p.Val106Ala (NM_001346900.2); c.424+3169T>C (NM_001346899.2, NM_001346897.2); c.89-9173T>C (NM_001346941.2); short protein forms V159A, V106A.
Identifiers: ClinVar variation 3843844 (VCV003843844.1).

ClinVar aggregate classification (germline): Uncertain significance (1 of 4 stars; one submission).

Conditions:
Hereditary cancer-predisposing syndrome. Also called: Hereditary neoplastic syndrome; Neoplastic Syndromes, Hereditary; Tumor predisposition; Hereditary Cancer Syndrome. Identifiers: Orphanet 140162, MedGen C0027672, MeSH D009386, MONDO:0015356.

gnomAD v4.1: 1 of 1,614,068 alleles (0.000062%); highest among the groups gnomAD compares: Non-Finnish European, 0.000085%; no homozygotes.

Submission:

Ambry Genetics
Classification: Uncertain significance for Hereditary cancer-predisposing syndrome. Last evaluated: 2025-02-23. Review status: criteria provided, single submitter. Criteria: Ambry Variant Classification Scheme 2023. Collection method: clinical testing. Allele origin: germline.
Comment: The p.V159A variant (also known as c.476T>C), located in coding exon 4 of the EGFR gene, results from a T to C substitution at nucleotide position 476. The valine at codon 159 is replaced by alanine, an amino acid with similar properties. This amino acid position is conserved. In addition, this alteration is predicted to be tolerated by in silico analysis. Based on the available evidence, the clinical significance of this variant remains unclear.